The following is an entry in ClinVar:

NM_007215.4(POLG2):c.130G>C (p.Val44Leu)

Genes: POLG2 (DNA polymerase gamma 2, accessory subunit; minus strand), MILR1 (mast cell immunoglobulin like receptor 1; plus strand). Cytogenetic location: 17q23.3.
Variant type: single nucleotide variant.
Coding change: c.130G>C on transcript NM_007215.4 (MANE Select); coding-DNA position 130, G replaced by C.
Protein change: p.Val44Leu; replaces valine 44 with leucine.
Molecular consequence: missense variant.
Genome position (GRCh38, 1-based): chr17:64,496,839, C>G on the plus strand (G>C on the coding strand, the complement: POLG2 is on the minus strand). VCF-style: chr17-64496839-C-G. GRCh37 (hg19) VCF-style: chr17-62492957-C-G.
Other names: c.130G>C (NM_007215.3); short protein forms V44L.
Identifiers: ClinVar variation 2682226 (VCV002682226.2), dbSNP rs782350159, ClinGen allele CA8713085.
Genomic context (GRCh38, chr17:64,496,839, plus strand): 5'-CTCCAGACCCGGGGGCTTCTGGGTGCTCGCCGTTCCCCTCGAGCTCCGCGTGCGACTTCA[C>G]ATGCCCTCCTTTGGGGCTACTCCTTTCCGTCAACAGCTCCGGCTGCCCCGCATCTACTCG-3'
Protein context (NP_009146.2, residues 34-54): TERSSPKGGH[Val44Leu]KSHAELEGNG

ClinVar aggregate classification (germline): Conflicting classifications of pathogenicity. Review status: criteria provided, conflicting classifications (1 of 4 stars). 2 submissions from 2 submitters: Uncertain significance (1); Likely benign (1). Last evaluated 2025-09-22.

Allele frequency attached by ClinVar (database versions not stated): TOPMed below 0.00001; ExAC 0.00001; gnomAD 0.00002; gnomAD exomes 0.00002.
gnomAD v4.1: 12 of 1,613,790 alleles (0.00074%); highest among the groups gnomAD compares: Non-Finnish European, 0.001%; no homozygotes.

Submissions (2):

Ambry Genetics
Classification: Likely benign. Last evaluated: 2025-09-22. Review status: criteria provided, single submitter. Criteria: Ambry Variant Classification Scheme 2023. Collection method: clinical testing. Allele origin: germline.

Women's Health and Genetics/Laboratory Corporation of America, LabCorp
Classification: Uncertain significance. Last evaluated: 2023-11-21. Review status: criteria provided, single submitter. Criteria: LabCorp Variant Classification Summary - May 2015. Collection method: clinical testing. Allele origin: germline.
Comment: Variant summary: POLG2 c.130G>C (p.Val44Leu) results in a conservative amino acid change in the encoded protein sequence. Five of five in-silico tools predict a benign effect of the variant on protein function. The variant allele was found at a frequency of 4e-06 in 251252 control chromosomes. The available data on variant occurrences in the general population are insufficient to allow any conclusion about variant significance. To our knowledge, no occurrence of c.130G>C in individuals affected with POLG2-Related Disorders and no experimental evidence demonstrating its impact on protein function have been reported. No submitters have cited clinical-significance assessments for this variant to ClinVar after 2014. Based on the evidence outlined above, the variant was classified as uncertain significance.